The following is an entry in ClinVar:

ClinVar aggregate classification (germline): Uncertain significance (1 of 4 stars; one submission).

Conditions:
Inborn genetic diseases. Identifiers: MedGen C0950123, MeSH D030342.

Submission:

Ambry Genetics
Classification: Uncertain significance for Inborn genetic diseases. Last evaluated: 2025-07-28. Review status: criteria provided, single submitter. Criteria: Ambry Variant Classification Scheme 2023. Collection method: clinical testing. Allele origin: germline.
Comment: The p.F16L variant (also known as c.48C>G), located in coding exon 1 of the ANKRD26 gene, results from a C to G substitution at nucleotide position 48. The phenylalanine at codon 16 is replaced by leucine, an amino acid with highly similar properties. This amino acid position is conserved. In addition, this alteration is predicted to be tolerated by in silico analysis. Based on the available evidence, the clinical significance of this variant remains unclear.

NM_014915.3(ANKRD26):c.48C>G (p.Phe16Leu)

Genes: ANKRD26 (ankyrin repeat domain containing 26; minus strand), LOC130003554 (ATAC-STARR-seq lymphoblastoid silent region 2243; plus strand). Cytogenetic location: 10p12.1.
Variant type: single nucleotide variant.
Coding change: c.48C>G on transcript NM_014915.3 (MANE Select); coding-DNA position 48, C replaced by G.
Protein change: p.Phe16Leu; replaces phenylalanine 16 with leucine.
Molecular consequence: missense variant.
Genome position (GRCh38, 1-based): chr10:27,100,279, G>C on the plus strand (C>G on the coding strand, the complement: ANKRD26 is on the minus strand). VCF-style: chr10-27100279-G-C. GRCh37 (hg19) VCF-style: chr10-27389208-G-C.
Other names: c.48C>G, p.Phe16Leu (NM_001256053.2); short protein forms F16L.
Identifiers: ClinVar variation 4103842 (VCV004103842.1).
Genomic context (GRCh38, chr10:27,100,279, plus strand): 5'-CGAGTAGGCGCCCTCCCCCGGCTCGCCCCCGCCTCCCGCGCTGCTCCTCTGCCGCCGCGC[G>C]AAGGAGCCCAAGGGCGACTCGCCCTTCTTACTAAAAATCTTCTTCATGGCCCAGGCGACC-3'
Protein context (NP_055730.2, residues 6-26): SKKGESPLGS[Phe16Leu]ARRQRSSAGG